The following is an entry in ClinVar:

ClinVar aggregate classification (germline): Uncertain significance (1 of 4 stars; one submission).

Submission:

Quest Diagnostics Nichols Institute San Juan Capistrano
Classification: Uncertain significance. Last evaluated: 2025-09-10. Review status: criteria provided, single submitter. Criteria: Quest Diagnostics criteria. Collection method: clinical testing. Allele origin: unknown.
Comment: The FANCC c.1451A>G (p.Gln484Arg) variant has not been reported in individuals with FANCC-related conditions in the published literature. This variant also has not been reported in large, multi-ethnic general populations (Genome Aggregation Database). Analysis of this variant using bioinformatics tools for the prediction of the effect of amino acid changes on protein structure and function yielded predictions that this variant is benign. Based on the available information, we are unable to determine the clinical significance of this variant.

NM_000136.3(FANCC):c.1451A>G (p.Gln484Arg)

Genes: FANCC (FA complementation group C; minus strand), AOPEP (aminopeptidase O (putative); plus strand). Cytogenetic location: 9q22.32.
Variant type: single nucleotide variant.
Coding change: c.1451A>G on transcript NM_000136.3 (MANE Select); coding-DNA position 1451, A replaced by G.
Protein change: p.Gln484Arg; replaces glutamine 484 with arginine.
Molecular consequence: missense variant.
Genome position (GRCh38, 1-based): chr9:95,107,148, T>C on the plus strand (A>G on the coding strand, the complement: FANCC is on the minus strand). VCF-style: chr9-95107148-T-C. GRCh37 (hg19) VCF-style: chr9-97869430-T-C.
Other names: c.1451A>G, p.Gln484Arg (NM_001243743.2); short protein forms Q484R.
Identifiers: ClinVar variation 4532884 (VCV004532884.1).